The following is an entry in ClinVar:

ClinVar aggregate classification (germline): Uncertain significance (1 of 4 stars; one submission).

Conditions:
Developmental and epileptic encephalopathy, 35 (DEE35). Also called: Epileptic encephalopathy, early infantile, 35. Identifiers: Orphanet 457375, MedGen C4225256, MONDO:0014719, OMIM 616647.

gnomAD v4.1: 2 of 1,613,906 alleles (0.00012%); highest among the groups gnomAD compares: Admixed American, 0.0017%; no homozygotes.

Submission:

OLLIN Analises Genomicas, OLLIN
Classification: Uncertain significance for Developmental and epileptic encephalopathy, 35. Last evaluated: 2026-08-06. Review status: criteria provided, single submitter. Criteria: ACMG Guidelines 2015 PMID 25741868. Collection method: clinical testing. Allele origin: germline.
Comment: This missense variant, located in exon 8 (of 8), has been observed in gnomAD with an allele frequency of 0.00012%, but has not been reported in ClinVar or identified in the literature. In silico analysis predicts that this variant has a deleterious effect. According to the currently available evidence, this variant has been classified as uncertain significance (PM2_P, PP3_M).

NM_033453.4(ITPA):c.530A>G (p.His177Arg)

Gene: ITPA (inosine triphosphatase; plus strand). Cytogenetic location: 20p13.
Variant type: single nucleotide variant.
Coding change: c.530A>G on transcript NM_033453.4 (MANE Select); coding-DNA position 530, A replaced by G.
Protein change: p.His177Arg; replaces histidine 177 with arginine.
Molecular consequence: missense variant. On other transcripts: non-coding transcript variant (2), intron variant (1).
Genome position (GRCh38, 1-based): chr20:3,223,407, A>G. VCF-style: chr20-3223407-A-G. GRCh37 (hg19) VCF-style: chr20-3204053-A-G.
Other names: c.407A>G, p.His136Arg (NM_001267623.2); c.193A>G, p.Ile65Val (NM_001324236.2, NM_001324237.2, NM_001324238.2 and 1 more transcripts); c.577A>G, p.Ile193Val (NM_001424408.1); c.656A>G, p.His219Arg (NM_001424409.1); c.479A>G, p.His160Arg (NM_181493.4); c.412-3276A>G (NM_001324240.2); short protein forms H160R, H136R, H219R, I193V, I65V, H177R.
Identifiers: ClinVar variation 5002931 (VCV005002931.1).
Genomic context (GRCh38, chr20:3,223,407, plus strand): 5'-TGCTACTGTCACCCCTCAGGTACGCAGAGATGCCTAAGGCGGAGAAGAACGCTGTCTCCC[A>G]TCGCTTCCGGGCCCTGCTGGAGCTGCAGGAGTACTTTGGCAGTTTGGCAGCTTGACTTCT-3'
Protein context (NP_258412.1, residues 167-187): MPKAEKNAVS[His177Arg]RFRALLELQE